The following is an entry in ClinVar:

ClinVar aggregate classification (germline): Uncertain significance (1 of 4 stars; one submission).

Conditions:
Cardiovascular phenotype. Identifiers: MedGen CN230736.

Submission:

Ambry Genetics
Classification: Uncertain significance for Cardiovascular phenotype. Last evaluated: 2024-03-30. Review status: criteria provided, single submitter. Criteria: Ambry Variant Classification Scheme 2023. Collection method: clinical testing. Allele origin: germline.
Comment: The p.S751N variant (also known as c.2252G>A), located in coding exon 14 of the SCN10A gene, results from a G to A substitution at nucleotide position 2252. The serine at codon 751 is replaced by asparagine, an amino acid with highly similar properties. This amino acid position is conserved. In addition, this alteration is predicted to be tolerated by in silico analysis. Based on the available evidence, the clinical significance of this alteration remains unclear.

NM_006514.4(SCN10A):c.2252G>A (p.Ser751Asn)

Gene: SCN10A (sodium voltage-gated channel alpha subunit 10; minus strand). Cytogenetic location: 3p22.2.
Variant type: single nucleotide variant.
Coding change: c.2252G>A on transcript NM_006514.4 (MANE Select); coding-DNA position 2252, G replaced by A.
Protein change: p.Ser751Asn; replaces serine 751 with asparagine.
Molecular consequence: missense variant.
Genome position (GRCh38, 1-based): chr3:38,739,543, C>T on the plus strand (G>A on the coding strand, the complement: SCN10A is on the minus strand). VCF-style: chr3-38739543-C-T. GRCh37 (hg19) VCF-style: chr3-38781034-C-T.
Other names: c.2252G>A, p.Ser751Asn (NM_001293306.2); c.1958G>A, p.Ser653Asn (NM_001293307.2); short protein forms S653N, S751N.
Identifiers: ClinVar variation 3316510 (VCV003316510.1).